The following is an entry in ClinVar:

NM_003737.4(DCHS1):c.4332_4337dup (p.Pro1446_Glu1447insLeuPro)

Gene: DCHS1 (dachsous cadherin-related 1; minus strand). Cytogenetic location: 11p15.4.
Variant type: Duplication.
Coding change: c.4332_4337dup on transcript NM_003737.4 (MANE Select); coding-DNA positions 4332 to 4337, 6 bases duplicated (GCTGCC; older notation c.4332_4337dupGCTGCC).
Protein change: p.Pro1446_Glu1447insLeuPro.
Genome position (GRCh38, 1-based): chr11:6,630,457-6,630,462, GGCAGC duplicated on the plus strand (GCTGCC on the coding strand, the reverse complement: DCHS1 is on the minus strand); duplicating any 6 consecutive bases within chr11:6,630,457-6,630,463 gives the same sequence; the c. name uses the placement nearest the transcript's 3' end. VCF-style (leftmost placement, unchanged base first): chr11-6630456-T-TGGCAGC. GRCh37 (hg19) VCF-style: chr11-6651687-T-TGGCAGC.
Identifiers: ClinVar variation 4759923 (VCV004759923.1).

ClinVar aggregate classification (germline): Uncertain significance (1 of 4 stars; one submission).

Submission:

Labcorp Genetics (formerly Invitae), Labcorp
Classification: Uncertain significance. Last evaluated: 2026-01-12. Review status: criteria provided, single submitter. Criteria: Invitae Variant Classification Sherloc (09022015). Collection method: clinical testing. Allele origin: germline.
Comment: This variant, c.4332_4337dup, results in the insertion of 2 amino acid(s) of the DCHS1 protein (p.Leu1445_Pro1446dup), but otherwise preserves the integrity of the reading frame. This variant is not present in population databases (gnomAD no frequency). This variant has not been reported in the literature in individuals affected with DCHS1-related conditions. In summary, the available evidence is currently insufficient to determine the role of this variant in disease. Therefore, it has been classified as a Variant of Uncertain Significance.